The following is an entry in ClinVar:

NM_006258.4(PRKG1):c.1076+6T>C

Gene: PRKG1 (protein kinase cGMP-dependent 1; plus strand). Cytogenetic location: 10q21.1.
Variant type: single nucleotide variant.
Coding change: c.1076+6T>C on transcript NM_006258.4 (MANE Select); 6 bases into the intron after coding-DNA position 1076, T replaced by C.
Molecular consequence: intron variant.
Genome position (GRCh38, 1-based): chr10:52,161,969, T>C. VCF-style: chr10-52161969-T-C. GRCh37 (hg19) VCF-style: chr10-53921729-T-C.
Other names: c.1031+6T>C (NM_001098512.3); c.-134+6T>C (NM_001374781.1).
Identifiers: ClinVar variation 3573774 (VCV003573774.1).
Genomic context (GRCh38, chr10:52,161,969, plus strand): 5'-GAGGGCTGGATGATGTTTCTAATAAAGCATATGAAGATGCAGAAGCTAAAGCAAAGTAAG[T>C]GACTTTTTTCCTTAATTTTGATTGCAAAATGATTTTGAATAGAAATAAGATCAAATATTT-3'

ClinVar aggregate classification (germline): Uncertain significance (1 of 4 stars; one submission).

Submission:

GeneDx
Classification: Uncertain significance. Last evaluated: 2024-07-16. Review status: criteria provided, single submitter. Criteria: GeneDx Variant Classification Process June 2021. Collection method: clinical testing. Allele origin: germline. Affected: yes.
Comment: Has not been previously published as pathogenic or benign to our knowledge; Not observed at significant frequency in large population cohorts (gnomAD); In silico analysis indicates that this variant does not alter splicing